The following is an entry in ClinVar:

ClinVar aggregate classification (germline): Uncertain significance. Review status: criteria provided, multiple submitters, no conflicts (2 of 4 stars). 2 submissions from 2 submitters: Uncertain significance (2). Last evaluated 2023-05-22.

Conditions:
Heterotopia, periventricular, X-linked dominant (PVNH1). Also called: PERIVENTRICULAR NODULAR HETEROTOPIA 1; X-linked periventricular heterotopia; PERIVENTRICULAR NODULAR HETEROTOPIA 4; HETEROTOPIA, PERIVENTRICULAR, 1. Identifiers: Orphanet 2149, Orphanet 82004, MedGen C1848213, MONDO:0010233, OMIM 300049.
Melnick-Needles syndrome (MNS). Also called: MELNICK-NEEDLES OSTEODYSPLASTY; OSTEODYSPLASTY OF MELNICK AND NEEDLES; Melnick-Needles Syndrome (FLNA-MNS). Identifiers: Orphanet 2484, MedGen C0025237, MONDO:0010650, OMIM 309350.
Frontometaphyseal dysplasia (FMD1). Identifiers: Orphanet 1826, MedGen C0265293, MONDO:0015942.
Oto-palato-digital syndrome, type II (OPD2). Also called: OPD II SYNDROME; FACIOPALATOOSSEOUS SYNDROME; Otopalatodigital Syndrome Type 2 (FLNA-OPD2); Otopalatodigital Syndrome, Type II. Identifiers: Orphanet 669, Orphanet 90652, MedGen C1844696, MONDO:0010571, OMIM 304120.

Allele frequency attached by ClinVar (database versions not stated): gnomAD exomes below 0.00001; TOPMed 0.00002.
gnomAD v4.1: 2 of 1,211,868 alleles (0.00017%); highest among the groups gnomAD compares: South Asian, 0.0035%; no homozygotes.

Submissions (2):

GeneDx
Classification: Uncertain significance. Last evaluated: 2023-05-22. Review status: criteria provided, single submitter. Criteria: GeneDx Variant Classification Process June 2021. Collection method: clinical testing. Allele origin: germline. Affected: yes.
Comment: Not observed at significant frequency in large population cohorts (gnomAD); In silico analysis supports that this missense variant has a deleterious effect on protein structure/function; Has not been previously published as pathogenic or benign to our knowledge

Labcorp Genetics (formerly Invitae), Labcorp
Classification: Uncertain significance for Oto-palato-digital syndrome, type II; Heterotopia, periventricular, X-linked dominant; Frontometaphyseal dysplasia; Melnick-Needles syndrome. Last evaluated: 2020-01-10. Review status: criteria provided, single submitter. Criteria: Invitae Variant Classification Sherloc (09022015). Collection method: clinical testing. Allele origin: germline.
Comment: This sequence change replaces threonine with isoleucine at codon 896 of the FLNA protein (p.Thr896Ile). The threonine residue is highly conserved and there is a moderate physicochemical difference between threonine and isoleucine. In summary, the available evidence is currently insufficient to determine the role of this variant in disease. Therefore, it has been classified as a Variant of Uncertain Significance. Algorithms developed to predict the effect of missense changes on protein structure and function are either unavailable or do not agree on the potential impact of this missense change (SIFT: "Deleterious"; PolyPhen-2: "Probably Damaging"; Align-GVGD: "Class C15"). This variant has not been reported in the literature in individuals with FLNA-related conditions. This variant is not present in population databases (ExAC no frequency).

NM_001110556.2(FLNA):c.2687C>T (p.Thr896Ile)

Gene: FLNA (filamin A; minus strand). Cytogenetic location: Xq28.
Variant type: single nucleotide variant.
Coding change: c.2687C>T on transcript NM_001110556.2 (MANE Select); coding-DNA position 2687, C replaced by T.
Protein change: p.Thr896Ile; replaces threonine 896 with isoleucine.
Molecular consequence: missense variant.
Genome position (GRCh38, 1-based): chrX:154,362,118, G>A on the plus strand (C>T on the coding strand, the complement: FLNA is on the minus strand). VCF-style: chrX-154362118-G-A. GRCh37 (hg19) VCF-style: chrX-153590486-G-A.
Other names: c.2687C>T, p.Thr896Ile (NM_001456.4); c.2687C>T (NM_001456.3); short protein forms T896I.
Identifiers: ClinVar variation 1058754 (VCV001058754.9), dbSNP rs1321859695, ClinGen allele CA415233102.